The following is an entry in ClinVar:

NM_000152.5(GAA):c.693-1G>A

Gene: GAA (alpha glucosidase; plus strand). Cytogenetic location: 17q25.3.
Variant type: single nucleotide variant.
Coding change: c.693-1G>A on transcript NM_000152.5 (MANE Select); the canonical splice acceptor site of the intron before coding-DNA position 693, G replaced by A.
Molecular consequence: splice acceptor variant.
Genome position (GRCh38, 1-based): chr17:80,107,556, G>A. VCF-style: chr17-80107556-G-A. GRCh37 (hg19) VCF-style: chr17-78081355-G-A.
Other names: c.693-1G>A (NM_001406741.1, NM_001406742.1, NM_001079803.3 and 1 more transcripts).
Identifiers: ClinVar variation 3653200 (VCV003653200.4).
Genomic context (GRCh38, chr17:80,107,556, plus strand): 5'-TGCTCTCAGGCTCGTGTGGCCCCTTGGGTGTGAGCAAGCCTGGCTGGCCTCTGTCCCGCA[G>A]GCTGAACACGACGGTGGCGCCCCTGTTCTTTGCGGACCAGTTCCTTCAGCTGTCCACCTC-3'

ClinVar aggregate classification (germline): Likely pathogenic. Review status: criteria provided, multiple submitters, no conflicts (2 of 4 stars). 3 submissions from 3 submitters: Likely pathogenic (3). Last evaluated 2026-07-01.

Conditions:
Glycogen storage disease, type II (IOPD). Also called: Glycogen storage disease type 2; Acid maltase deficiency disease; Aglucosidase alfa; Deficiency of alpha-glucosidase; Deficiency of lysosomal alpha-glucosidase; POMPE DISEASE, INFANTILE-ONSET. Identifiers: Orphanet 365, MedGen C0017921, MONDO:0009290, OMIM 232300.

Submissions (3):

Genomenon, Inc
Classification: Likely pathogenic for Glycogen storage disease, type II. Last evaluated: 2026-07-01. Review status: criteria provided, single submitter. Criteria: Genomenon Sequence Variant Interpretation Standards - Updated. Collection method: curation. Allele origin: germline. Affected: no.
Comment: GAA c.693-1G>A is a canonical splice variant affecting the acceptor splice site of intron 3. It is predicted to affect mRNA splicing, leading to a deleterious effect on the GAA protein. This variant has been reported in the published literature (PMID:35470684). It is absent or not present at a significant frequency in gnomAD. In conclusion, we classify GAA c.693-1G>A as a likely pathogenic variant.

Labcorp Genetics (formerly Invitae), Labcorp
Classification: Likely pathogenic for Glycogen storage disease, type II. Last evaluated: 2025-03-29. Review status: criteria provided, single submitter. Criteria: Invitae Variant Classification Sherloc (09022015). Collection method: clinical testing. Allele origin: germline.
Comment: This sequence change affects an acceptor splice site in intron 3 of the GAA gene. It is expected to disrupt RNA splicing. Variants that disrupt the donor or acceptor splice site typically lead to a loss of protein function (PMID: 16199547), and loss-of-function variants in GAA are known to be pathogenic (PMID: 18425781, 22252923). This variant is not present in population databases (gnomAD no frequency). Disruption of this splice site has been observed in individual(s) with clinical features of GAA-related conditions (PMID: 30155607, 35470684). Algorithms developed to predict the effect of sequence changes on RNA splicing suggest that this variant may disrupt the consensus splice site. In summary, the currently available evidence indicates that the variant is pathogenic, but additional data are needed to prove that conclusively. Therefore, this variant has been classified as Likely Pathogenic.

Revvity Omics, Revvity
Classification: Likely pathogenic. Last evaluated: 2023-10-24. Review status: criteria provided, single submitter. Criteria: ACMG Guidelines, 2015. Collection method: clinical testing. Allele origin: germline.

Literature cited by the submitters: PubMed 35470684 (cited by Genomenon, Inc and Labcorp Genetics (formerly Invitae), Labcorp); PubMed 16199547 (cited by Labcorp Genetics (formerly Invitae), Labcorp); PubMed 18425781 (cited by Labcorp Genetics (formerly Invitae), Labcorp); PubMed 22252923 (cited by Labcorp Genetics (formerly Invitae), Labcorp); PubMed 30155607 (cited by Labcorp Genetics (formerly Invitae), Labcorp).